The following is an entry in ClinVar:

NM_001374385.1(ATP8B1):c.1547T>A (p.Ile516Asn)

Gene: ATP8B1 (ATPase phospholipid transporting 8B1; minus strand). Cytogenetic location: 18q21.31.
Variant type: single nucleotide variant.
Coding change: c.1547T>A on transcript NM_001374385.1 (MANE Select); coding-DNA position 1547, T replaced by A.
Protein change: p.Ile516Asn; replaces isoleucine 516 with asparagine.
Molecular consequence: missense variant.
Genome position (GRCh38, 1-based): chr18:57,684,119, A>T on the plus strand (T>A on the coding strand, the complement: ATP8B1 is on the minus strand). VCF-style: chr18-57684119-A-T. GRCh37 (hg19) VCF-style: chr18-55351351-A-T.
Other names: c.1397T>A, p.Ile466Asn (NM_001374386.1); c.1547T>A, p.Ile516Asn (NM_005603.6); short protein forms I466N, I516N.
Identifiers: ClinVar variation 4846230 (VCV004846230.1).

ClinVar aggregate classification (germline): Uncertain significance (1 of 4 stars; one submission).

Conditions:
Familial intrahepatic cholestasis. Identifiers: Orphanet 284385, MedGen CN296401, MONDO:0017290.

Submission:

Genomenon, Inc
Classification: Uncertain significance for Familial intrahepatic cholestasis. Last evaluated: 2026-04-14. Review status: criteria provided, single submitter. Criteria: Genomenon Sequence Variant Interpretation Standards - Updated. Collection method: curation. Allele origin: germline. Affected: yes.
Comment: ATP8B1 p.Ile516Asn (c.1547T>A) is a missense variant that changes the amino acid at residue 516 from Isoleucine to Asparagine. This variant has been observed in at least one proband with features of ATP8B1-deficiency (PMID:35431768). It is absent or not present at a significant frequency in gnomAD. In conclusion, we classify ATP8B1 p.Ile516Asn (c.1547T>A) as a variant of uncertain significance.

Literature cited by the submitters: PubMed 35431768.